The following is an entry in ClinVar:

NM_005422.4(TECTA):c.232C>G (p.Leu78Val)

Genes: TBCEL-TECTA (TBCEL-TECTA readthrough; plus strand), TECTA (tectorin alpha; plus strand). Cytogenetic location: 11q23.3.
Variant type: single nucleotide variant.
Coding change: c.232C>G on transcript NM_005422.4 (MANE Select); coding-DNA position 232, C replaced by G.
Protein change: p.Leu78Val; replaces leucine 78 with valine.
Molecular consequence: missense variant.
Genome position (GRCh38, 1-based): chr11:121,109,244, C>G. VCF-style: chr11-121109244-C-G. GRCh37 (hg19) VCF-style: chr11-120979953-C-G.
Other names: c.1189C>G, p.Leu397Val (NM_001378761.1); short protein forms L397V, L78V.
Identifiers: ClinVar variation 2574978 (VCV002574978.1), dbSNP rs2496891356, ClinGen allele CA383020480.

ClinVar aggregate classification (germline): Uncertain significance (1 of 4 stars; one submission).

gnomAD v4.1: 1 of 1,614,154 alleles (0.000062%); no homozygotes.

Submission:

GeneDx
Classification: Uncertain significance. Last evaluated: 2023-02-07. Review status: criteria provided, single submitter. Criteria: GeneDx Variant Classification Process June 2021. Collection method: clinical testing. Allele origin: germline. Affected: yes.
Comment: Not observed at significant frequency in large population cohorts (gnomAD); In silico analysis supports that this missense variant does not alter protein structure/function; Has not been previously published as pathogenic or benign to our knowledge